The following is an entry in ClinVar:

NM_001393769.1(MED12L):c.3665-5C>T

Genes: MED12L (mediator complex subunit 12L; plus strand), P2RY12 (purinergic receptor P2Y12; minus strand). Cytogenetic location: 3q25.1.
Variant type: single nucleotide variant.
Coding change: c.3665-5C>T on transcript NM_001393769.1 (MANE Select); 5 bases into the intron before coding-DNA position 3665, C replaced by T.
Molecular consequence: intron variant.
Genome position (GRCh38, 1-based): chr3:151,372,562, C>T. VCF-style: chr3-151372562-C-T. GRCh37 (hg19) VCF-style: chr3-151090350-C-T.
Other names: c.3560-5C>T (NM_053002.6); c.-180+12130G>A (NM_022788.5).
Identifiers: ClinVar variation 3052865 (VCV003052865.2), dbSNP rs1324159323, ClinGen allele CA900687347.

ClinVar aggregate classification (germline): Likely benign (0 of 4 stars; one submission).

Conditions:
MED12L-related disorder. Also called: MED12L-related condition.

Allele frequency attached by ClinVar (database versions not stated): TOPMed below 0.00001.

Submission:

PreventionGenetics, part of Exact Sciences
Classification: Likely benign for MED12L-related condition. Last evaluated: 2022-05-16. Review status: no assertion criteria provided. Collection method: clinical testing. Allele origin: germline.
Comment: This variant is classified as likely benign based on ACMG/AMP sequence variant interpretation guidelines (Richards et al. 2015 PMID: 25741868, with internal and published modifications).